The following is an entry in ClinVar:

ClinVar aggregate classification (germline): Uncertain significance (1 of 4 stars; one submission).

Conditions:
Isolated microphthalmia 5. Also called: Posterior Microphthalmia with Retinitis Pigmentosa, Foveoschisis, and Optic Disc Drusen. Identifiers: Orphanet 251279, MedGen C1970236, MONDO:0012605, OMIM 611040.

Allele frequency attached by ClinVar (database versions not stated): TOPMed below 0.00001; gnomAD 0.00002; gnomAD exomes 0.00001.
gnomAD v4.1: 21 of 1,613,642 alleles (0.0013%); highest among the groups gnomAD compares: Non-Finnish European, 0.0016%; no homozygotes.

Submission:

Labcorp Genetics (formerly Invitae), Labcorp
Classification: Uncertain significance for Isolated microphthalmia 5. Last evaluated: 2023-08-04. Review status: criteria provided, single submitter. Criteria: Invitae Variant Classification Sherloc (09022015). Collection method: clinical testing. Allele origin: germline.
Comment: Advanced modeling of protein sequence and biophysical properties (such as structural, functional, and spatial information, amino acid conservation, physicochemical variation, residue mobility, and thermodynamic stability) performed at Invitae indicates that this missense variant is not expected to disrupt MFRP protein function. This sequence change replaces methionine, which is neutral and non-polar, with isoleucine, which is neutral and non-polar, at codon 442 of the MFRP protein (p.Met442Ile). This variant is present in population databases (no rsID available, gnomAD 0.002%). This variant has not been reported in the literature in individuals affected with MFRP-related conditions. ClinVar contains an entry for this variant (Variation ID: 1406852). In summary, the available evidence is currently insufficient to determine the role of this variant in disease. Therefore, it has been classified as a Variant of Uncertain Significance.

NM_031433.4(MFRP):c.1326G>A (p.Met442Ile)

Genes: C1QTNF5 (C1q and TNF related 5; minus strand), MFRP (membrane frizzled-related protein; minus strand). Cytogenetic location: 11q23.3.
Variant type: single nucleotide variant.
Coding change: c.1326G>A on transcript NM_031433.4 (MANE Select); coding-DNA position 1326, G replaced by A.
Protein change: p.Met442Ile; replaces methionine 442 with isoleucine.
Molecular consequence: missense variant. On other transcripts: 5 prime UTR variant (1).
Genome position (GRCh38, 1-based): chr11:119,342,657, C>T on the plus strand (G>A on the coding strand, the complement: MFRP is on the minus strand). VCF-style: chr11-119342657-C-T. GRCh37 (hg19) VCF-style: chr11-119213367-C-T.
Other names: c.-1311G>A (NM_015645.5); short protein forms M442I.
Identifiers: ClinVar variation 1406852 (VCV001406852.6), dbSNP rs1445324308, ClinGen allele CA382973436.